The following is an entry in ClinVar:

NM_001039141.3(TRIOBP):c.1339A>G (p.Thr447Ala)

Gene: TRIOBP (TRIO and F-actin binding protein; plus strand). Cytogenetic location: 22q13.1.
Variant type: single nucleotide variant.
Coding change: c.1339A>G on transcript NM_001039141.3 (MANE Select); coding-DNA position 1339, A replaced by G.
Protein change: p.Thr447Ala; replaces threonine 447 with alanine.
Molecular consequence: missense variant.
Genome position (GRCh38, 1-based): chr22:37,723,895, A>G. VCF-style: chr22-37723895-A-G. GRCh37 (hg19) VCF-style: chr22-38119902-A-G.
Other names: short protein forms T447A.
Identifiers: ClinVar variation 4979325 (VCV004979325.1).

ClinVar aggregate classification (germline): Likely benign (1 of 4 stars; one submission).

Conditions:
TRIOBP-related disorder. Also called: TRIOBP-related condition.

Submission:

PreventionGenetics, part of Exact Sciences
Classification: Likely benign for TRIOBP-related condition. Last evaluated: 2025-11-14. Review status: criteria provided, single submitter. Criteria: ACMG Guidelines, 2015. Collection method: clinical testing. Allele origin: germline.
Comment: This variant is classified as likely benign based on ACMG/AMP sequence variant interpretation guidelines (Richards et al. 2015 PMID: 25741868, with internal and published modifications).